The following is an entry in ClinVar:

ClinVar aggregate classification (germline): Benign. Review status: criteria provided, multiple submitters, no conflicts (2 of 4 stars). 3 submissions from 3 submitters: Benign (2). 1 of the submissions does not count toward it. Last evaluated 2018-02-08.

Conditions:
TARS1-related disorder. Also called: TARS1-related condition.

Allele frequency attached by ClinVar (database versions not stated): ESP Exome Variant Server 0.00015; gnomAD 0.00294 and 0.00304; TOPMed 0.00556; 1000 Genomes Project 0.00679; 1000 Genomes Project 30x 0.00734.

Submissions (3):

Labcorp Genetics (formerly Invitae), Labcorp
Classification: Benign. Last evaluated: 2018-02-08. Review status: criteria provided, single submitter. Criteria: Invitae Variant Classification Sherloc (09022015). Collection method: clinical testing. Allele origin: germline.

Breakthrough Genomics
Classification: Benign. Review status: criteria provided, single submitter. Criteria: ACMG Guidelines, 2015. Collection method: not provided. Allele origin: germline. Inheritance: Autosomal recessive inheritance. Affected: yes.

PreventionGenetics, part of Exact Sciences
Classification: Benign for TARS1-related condition. Last evaluated: 2019-12-03. Review status: no assertion criteria provided. Collection method: clinical testing. Allele origin: germline. Not counted in ClinVar's aggregate classification.
Comment: This variant is classified as benign based on ACMG/AMP sequence variant interpretation guidelines (Richards et al. 2015 PMID: 25741868, with internal and published modifications).

NM_152295.5(TARS1):c.231A>C (p.Glu77Asp)

Gene: TARS1 (threonyl-tRNA synthetase 1; plus strand). Cytogenetic location: 5p13.3.
Variant type: single nucleotide variant.
Coding change: c.231A>C on transcript NM_152295.5 (MANE Select); coding-DNA position 231, A replaced by C.
Protein change: p.Glu77Asp; replaces glutamic acid 77 with aspartic acid.
Molecular consequence: missense variant. On other transcripts: non-coding transcript variant (2).
Genome position (GRCh38, 1-based): chr5:33,448,633, A>C. VCF-style: chr5-33448633-A-C. GRCh37 (hg19) VCF-style: chr5-33448739-A-C.
Other names: c.231A>C, p.Glu77Asp (NM_001258437.1, NM_001258438.2); short protein forms E77D.
Identifiers: ClinVar variation 771370 (VCV000771370.6), dbSNP rs146538659, ClinGen allele CA3222947.